The following is an entry in ClinVar:

ClinVar aggregate classification (germline): Uncertain significance (0 of 4 stars; one submission).

Conditions:
MKS1-related disorder. Also called: MKS1-related condition; MKS1-related disorders. Identifiers: MedGen CN239382.

gnomAD v4.1: 15 of 1,613,700 alleles (0.00093%); highest among the groups gnomAD compares: Non-Finnish European, 0.0013%; no homozygotes.

Submission:

PreventionGenetics, part of Exact Sciences
Classification: Uncertain significance for MKS1-related condition. Last evaluated: 2024-07-01. Review status: no assertion criteria provided. Collection method: clinical testing. Allele origin: germline.
Comment: The MKS1 c.553G>A variant is predicted to result in the amino acid substitution p.Glu185Lys. To our knowledge, this variant has not been reported in the literature. This variant is reported in 0.0018% of alleles in individuals of European (Non-Finnish) descent in gnomAD. At this time, the clinical significance of this variant is uncertain due to the absence of conclusive functional and genetic evidence.

NM_017777.4(MKS1):c.553G>A (p.Glu185Lys)

Gene: MKS1 (MKS transition zone complex subunit 1; minus strand). Cytogenetic location: 17q22.
Variant type: single nucleotide variant.
Coding change: c.553G>A on transcript NM_017777.4 (MANE Select); coding-DNA position 553, G replaced by A.
Protein change: p.Glu185Lys; replaces glutamic acid 185 with lysine.
Molecular consequence: missense variant. On other transcripts: 5 prime UTR variant (1).
Genome position (GRCh38, 1-based): chr17:58,214,350, C>T on the plus strand (G>A on the coding strand, the complement: MKS1 is on the minus strand). VCF-style: chr17-58214350-C-T. GRCh37 (hg19) VCF-style: chr17-56291711-C-T.
Other names: c.-57G>A (NM_001321268.2); c.553G>A, p.Glu185Lys (NM_001321269.2, NM_001330397.2, NM_001411113.1); short protein forms E185K.
Identifiers: ClinVar variation 3355221 (VCV003355221.1).